The following is an entry in ClinVar:

NM_020070.4(IGLL1):c.611A>G (p.Glu204Gly)

Gene: IGLL1 (immunoglobulin lambda like polypeptide 1; minus strand). Cytogenetic location: 22q11.23.
Variant type: single nucleotide variant.
Coding change: c.611A>G on transcript NM_020070.4 (MANE Select); coding-DNA position 611, A replaced by G.
Protein change: p.Glu204Gly; replaces glutamic acid 204 with glycine.
Molecular consequence: missense variant. On other transcripts: 3 prime UTR variant (1).
Genome position (GRCh38, 1-based): chr22:23,573,297, T>C on the plus strand (A>G on the coding strand, the complement: IGLL1 is on the minus strand). VCF-style: chr22-23573297-T-C. GRCh37 (hg19) VCF-style: chr22-23915484-T-C.
Other names: c.614A>G, p.Glu205Gly (NM_001369906.1); c.*240A>G (NM_152855.3); short protein forms E204G, E205G.
Identifiers: ClinVar variation 4811119 (VCV004811119.1).

ClinVar aggregate classification (germline): Uncertain significance (1 of 4 stars; one submission).

Conditions:
Agammaglobulinemia 2, autosomal recessive (AGM2). Also called: AGAMMAGLOBULINEMIA, AUTOSOMAL RECESSIVE, DUE TO IGLL1 DEFECT. Identifiers: MedGen C3150750, MONDO:0013287, OMIM 613500.

gnomAD v4.1: 1 of 1,614,066 alleles (0.000062%); no homozygotes.

Submission:

Labcorp Genetics (formerly Invitae), Labcorp
Classification: Uncertain significance for Agammaglobulinemia 2, autosomal recessive. Last evaluated: 2025-10-06. Review status: criteria provided, single submitter. Criteria: Invitae Variant Classification Sherloc (09022015). Collection method: clinical testing. Allele origin: germline.
Comment: This sequence change replaces glutamic acid, which is acidic and polar, with glycine, which is neutral and non-polar, at codon 204 of the IGLL1 protein (p.Glu204Gly). This variant is present in population databases (no rsID available, gnomAD 0.01%). This variant has not been reported in the literature in individuals affected with IGLL1-related conditions. An algorithm developed to predict the effect of missense changes on protein structure and function (PolyPhen-2) suggests that this variant is likely to be disruptive. Algorithms developed to predict the effect of sequence changes on RNA splicing suggest that this variant may create or strengthen a splice site. In summary, the available evidence is currently insufficient to determine the role of this variant in disease. Therefore, it has been classified as a Variant of Uncertain Significance.